The following is an entry in ClinVar:

NM_182493.3(MYLK3):c.964G>A (p.Ala322Thr)

Gene: MYLK3 (myosin light chain kinase 3; minus strand). Cytogenetic location: 16q11.2.
Variant type: single nucleotide variant.
Coding change: c.964G>A on transcript NM_182493.3 (MANE Select); coding-DNA position 964, G replaced by A.
Protein change: p.Ala322Thr; replaces alanine 322 with threonine.
Molecular consequence: missense variant. On other transcripts: intron variant (1).
Genome position (GRCh38, 1-based): chr16:46,737,748, C>T on the plus strand (G>A on the coding strand, the complement: MYLK3 is on the minus strand). VCF-style: chr16-46737748-C-T. GRCh37 (hg19) VCF-style: chr16-46771660-C-T.
Other names: c.-23+2309G>A (NM_001308301.1); short protein forms A322T.
Identifiers: ClinVar variation 1468827 (VCV001468827.8), dbSNP rs2143015787, ClinGen allele CA395793879.

ClinVar aggregate classification (germline): Uncertain significance (1 of 4 stars; one submission).

Submission:

Labcorp Genetics (formerly Invitae), Labcorp
Classification: Uncertain significance. Last evaluated: 2021-05-29. Review status: criteria provided, single submitter. Criteria: Invitae Variant Classification Sherloc (09022015). Collection method: clinical testing. Allele origin: germline.
Comment: In summary, the available evidence is currently insufficient to determine the role of this variant in disease. Therefore, it has been classified as a Variant of Uncertain Significance. Algorithms developed to predict the effect of missense changes on protein structure and function output the following: SIFT: "Tolerated"; PolyPhen-2: "Benign"; Align-GVGD: "Class C0". The threonine amino acid residue is found in multiple mammalian species, suggesting that this missense change does not adversely affect protein function. These predictions have not been confirmed by published functional studies and their clinical significance is uncertain. This variant has not been reported in the literature in individuals with MYLK3-related conditions. This variant is not present in population databases (ExAC no frequency). This sequence change replaces alanine with threonine at codon 322 of the MYLK3 protein (p.Ala322Thr). The alanine residue is weakly conserved and there is a small physicochemical difference between alanine and threonine.